The following is an entry in ClinVar:

NM_001127644.2(GABRA1):c.312T>G (p.Phe104Leu)

Gene: GABRA1 (gamma-aminobutyric acid type A receptor subunit alpha1; plus strand). Cytogenetic location: 5q34.
Variant type: single nucleotide variant.
Coding change: c.312T>G on transcript NM_001127644.2 (MANE Select); coding-DNA position 312, T replaced by G.
Protein change: p.Phe104Leu; replaces phenylalanine 104 with leucine.
Molecular consequence: missense variant.
Genome position (GRCh38, 1-based): chr5:161,873,173, T>G. VCF-style: chr5-161873173-T-G. GRCh37 (hg19) VCF-style: chr5-161300179-T-G.
Other names: c.312T>G, p.Phe104Leu (NM_000806.5, NM_001127643.2, NM_001127645.2 and 1 more transcripts); short protein forms F104L.
Identifiers: ClinVar variation 1475323 (VCV001475323.8), dbSNP rs2113381036, ClinGen allele CA362178793.
Genomic context (GRCh38, chr5:161,873,173, plus strand): 5'-CTAGGAATATACAATAGATGTATTTTTCCGTCAAAGCTGGAAGGATGAAAGGTTAAAATT[T>G]AAAGGACCTATGACAGTCCTCCGGTTAAATAACCTAATGGCAAGTAAAATCTGGACTCCG-3'
Protein context (NP_001121116.1, residues 94-114): RQSWKDERLK[Phe104Leu]KGPMTVLRLN

ClinVar aggregate classification (germline): Uncertain significance (1 of 4 stars; one submission).

Conditions:
Epilepsy, idiopathic generalized, susceptibility to, 13. Also called: EPILEPSY, JUVENILE MYOCLONIC, SUSCEPTIBILITY TO, 5. Identifiers: Orphanet 307, Orphanet 64280, MedGen C4013473, MONDO:0012627, OMIM 611136.
Idiopathic generalized epilepsy. Also called: EIG; Generalised epilepsy. Identifiers: MedGen C0270850, MONDO:0005579, OMIM 600669.
Epilepsy, childhood absence 4 (ECA4). Also called: EPILEPSY, CHILDHOOD ABSENCE, SUSCEPTIBILITY TO, 4. Identifiers: Orphanet 307, MedGen C1970160.

Submission:

Labcorp Genetics (formerly Invitae), Labcorp
Classification: Uncertain significance for Epilepsy, childhood absence 4; Epilepsy, idiopathic generalized, susceptibility to, 13; Idiopathic generalized epilepsy. Last evaluated: 2021-04-08. Review status: criteria provided, single submitter. Criteria: Invitae Variant Classification Sherloc (09022015). Collection method: clinical testing. Allele origin: germline.
Comment: This variant is not present in population databases (ExAC no frequency). In summary, the available evidence is currently insufficient to determine the role of this variant in disease. Therefore, it has been classified as a Variant of Uncertain Significance. Algorithms developed to predict the effect of missense changes on protein structure and function are either unavailable or do not agree on the potential impact of this missense change (SIFT: "Tolerated"; PolyPhen-2: "Probably Damaging"; Align-GVGD: "Class C0"). This variant has not been reported in the literature in individuals with GABRA1-related conditions. This sequence change replaces phenylalanine with leucine at codon 104 of the GABRA1 protein (p.Phe104Leu). The phenylalanine residue is highly conserved and there is a small physicochemical difference between phenylalanine and leucine.